The following is an entry in ClinVar:

NM_001267550.2(TTN):c.50094G>A (p.Trp16698Ter)

Genes: TTN (titin; minus strand), TTN-AS1 (TTN antisense RNA 1; plus strand). Cytogenetic location: 2q31.2.
Variant type: single nucleotide variant.
Coding change: c.50094G>A on transcript NM_001267550.2 (MANE Select); coding-DNA position 50094, G replaced by A.
Protein change: p.Trp16698Ter; replaces tryptophan 16698 with a stop codon.
Molecular consequence: nonsense.
Genome position (GRCh38, 1-based): chr2:178,612,431, C>T on the plus strand (G>A on the coding strand, the complement: TTN is on the minus strand). VCF-style: chr2-178612431-C-T. GRCh37 (hg19) VCF-style: chr2-179477158-C-T.
Other names: c.45171G>A, p.Trp15057Ter (NM_001256850.1); c.22899G>A, p.Trp7633Ter (NM_003319.4); c.42390G>A, p.Trp14130Ter (NM_133378.4); c.23274G>A, p.Trp7758Ter (NM_133432.3); c.23475G>A, p.Trp7825Ter (NM_133437.4); short protein forms W15057*, W14130*, W7758*, W16698*, W7633*, W7825*.
Identifiers: ClinVar variation 2950760 (VCV002950760.3), dbSNP rs2470540147, ClinGen allele CA349599298.
Genomic context (GRCh38, chr2:178,612,431, plus strand): 5'-GCCCTCAGTCAGTGGGGTGACTGTGCACTTGGTGTCCTTGACAGTGGTATCCACTGTTTG[C>T]CAGCCTTTTCGCCTGACGTCTCTCTTTTCCACAATGTAGTTGGTGATGGGGGACCCTCCA-3'

ClinVar aggregate classification (germline): Likely pathogenic (1 of 4 stars; one submission).

Conditions:
Dilated cardiomyopathy 1G (CMD1G). Identifiers: Orphanet 154, MedGen C1858763, MONDO:0011400, OMIM 604145.
Autosomal recessive limb-girdle muscular dystrophy type 2J (LGMDR10). Also called: Limb-girdle muscular dystrophy, type 2J; MUSCULAR DYSTROPHY, LIMB-GIRDLE, AUTOSOMAL RECESSIVE 10. Identifiers: Orphanet 140922, MedGen C1837342, MONDO:0012127, OMIM 608807.

Submission:

Labcorp Genetics (formerly Invitae), Labcorp
Classification: Likely pathogenic for Dilated cardiomyopathy 1G; Autosomal recessive limb-girdle muscular dystrophy type 2J. Last evaluated: 2024-11-10. Review status: criteria provided, single submitter. Criteria: Invitae Variant Classification Sherloc (09022015). Collection method: clinical testing. Allele origin: germline.
Comment: This sequence change creates a premature translational stop signal (p.Trp16698*) in the TTN gene. While this is not anticipated to result in nonsense mediated decay, it is expected to disrupt the last 19294 amino acid(s) of the TTN protein. This variant is not present in population databases (gnomAD no frequency). This variant has not been reported in the literature in individuals affected with TTN-related conditions. ClinVar contains an entry for this variant (Variation ID: 2950760). This variant is located in the A band of TTN (PMID: 25589632). Truncating variants in this region are significantly overrepresented in patients affected with dilated cardiomyopathy (PMID: 25589632). Truncating variants in this region have also been reported in individuals affected with autosomal recessive centronuclear myopathy (PMID: 23975875). In summary, the currently available evidence indicates that the variant is pathogenic, but additional data are needed to prove that conclusively. Therefore, this variant has been classified as Likely Pathogenic.

Literature cited by the submitters: PubMed 25589632; PubMed 23975875.